The following is an entry in ClinVar:

NM_007327.4(GRIN1):c.-35C>A

Gene: GRIN1 (glutamate ionotropic receptor NMDA type subunit 1; plus strand). Cytogenetic location: 9q34.3.
Variant type: single nucleotide variant.
Coding change: c.-35C>A on transcript NM_007327.4 (MANE Select); 35 bases upstream of the start codon, C replaced by A.
Molecular consequence: 5 prime UTR variant.
Genome position (GRCh38, 1-based): chr9:137,139,452, C>A. VCF-style: chr9-137139452-C-A. GRCh37 (hg19) VCF-style: chr9-140033904-C-A.
Other names: c.-35C>A (NM_000832.7, NM_001185090.2, NM_001185091.2 and 1 more transcripts).
Identifiers: ClinVar variation 383437 (VCV000383437.2), dbSNP rs200150234, ClinGen allele CA5360559.
Genomic context (GRCh38, chr9:137,139,452, plus strand): 5'-GCCGGGCGAGCGCAGGACGGCCCGGAAGCCCCGCGGGGGATGCGCCGAGGGCCCCGCGTT[C>A]GCGCCGCGCAGAGCCAGGCCCGCGGCCCGAGCCCATGAGCACCATGCGCCTGCTGACGCT-3'

ClinVar aggregate classification (germline): Benign. Review status: criteria provided, multiple submitters, no conflicts (2 of 4 stars). 2 submissions from 2 submitters: Benign (2). Last evaluated 2016-10-11.

Allele frequency attached by ClinVar (database versions not stated): 1000 Genomes Project 30x 0.00031; 1000 Genomes Project 0.00040; ESP Exome Variant Server 0.00093; TOPMed 0.00128; gnomAD 0.00225; ExAC 0.01102.
gnomAD v4.1: 2,522 of 1,439,790 alleles (0.18%); highest among the groups gnomAD compares: Non-Finnish European, 0.21%; 5 homozygotes.

Submissions (2):

GeneDx
Classification: Benign. Last evaluated: 2016-10-11. Review status: criteria provided, single submitter. Criteria: GeneDx Variant Classification (06012015). Collection method: clinical testing. Allele origin: germline. Affected: yes.
Comment: This variant is considered likely benign or benign based on one or more of the following criteria: it is a conservative change, it occurs at a poorly conserved position in the protein, it is predicted to be benign by multiple in silico algorithms, and/or has population frequency not consistent with disease.

Breakthrough Genomics
Classification: Benign. Review status: criteria provided, single submitter. Criteria: ACMG Guidelines, 2015. Collection method: not provided. Allele origin: germline. Inheritance: Autosomal recessive inheritance. Affected: yes.